The following is an entry in ClinVar:

ClinVar aggregate classification (germline): Uncertain significance. Review status: criteria provided, multiple submitters, no conflicts (2 of 4 stars). 2 submissions from 2 submitters: Uncertain significance (2). Last evaluated 2025-07-17.

gnomAD v4.1: 1 of 1,209,908 alleles (0.000083%); highest among the groups gnomAD compares: African/African-American, 0.0017%; no homozygotes.

Submissions (2):

Women's Health and Genetics/Laboratory Corporation of America, LabCorp
Classification: Uncertain significance. Last evaluated: 2025-07-17. Review status: criteria provided, single submitter. Criteria: LabCorp Variant Classification Summary - May 2015. Collection method: clinical testing. Allele origin: germline.
Comment: Variant summary: OGT c.1460A>G (p.Lys487Arg) results in a conservative amino acid change in the encoded protein sequence. Algorithms developed to predict the effect of missense changes on protein structure and function are either unavailable or do not agree on the potential impact of this missense change. The variant was absent in 181292 control chromosomes. The available data on variant occurrences in the general population are insufficient to allow any conclusion about variant significance. To our knowledge, no occurrence of c.1460A>G in individuals affected with Intellectual Disability, X-Linked 106 and no experimental evidence demonstrating its impact on protein function have been reported. ClinVar contains an entry for this variant (Variation ID: 3897485). Based on the evidence outlined above, the variant was classified as uncertain significance.

GeneDx
Classification: Uncertain significance. Last evaluated: 2024-10-30. Review status: criteria provided, single submitter. Criteria: GeneDx Variant Classification Process June 2021. Collection method: clinical testing. Allele origin: germline. Affected: yes.
Comment: Not observed at significant frequency in large population cohorts (gnomAD); In silico analysis indicates that this missense variant does not alter protein structure/function; Has not been previously published as pathogenic or benign to our knowledge

NM_181672.3(OGT):c.1460A>G (p.Lys487Arg)

Gene: OGT (O-linked N-acetylglucosamine (GlcNAc) transferase; plus strand). Cytogenetic location: Xq13.1.
Variant type: single nucleotide variant.
Coding change: c.1460A>G on transcript NM_181672.3 (MANE Select); coding-DNA position 1460, A replaced by G.
Protein change: p.Lys487Arg; replaces lysine 487 with arginine.
Molecular consequence: missense variant.
Genome position (GRCh38, 1-based): chrX:71,557,530, A>G. VCF-style: chrX-71557530-A-G. GRCh37 (hg19) VCF-style: chrX-70777380-A-G.
Other names: c.1430A>G, p.Lys477Arg (NM_181673.3); short protein forms K477R, K487R.
Identifiers: ClinVar variation 3897485 (VCV003897485.2).
Genomic context (GRCh38, chrX:71,557,530, plus strand): 5'-TAACTTGTTTTTGCTTTCTCTAGATTGTCTGTGATTGGACAGACTATGATGAGCGAATGA[A>G]GAAGTTGGTCAGTATTGTGGCTGACCAGTTAGAGAAGAATAGGTTGCCTTCTGTGCATCC-3'
Protein context (NP_858058.1, residues 477-497): CDWTDYDERM[Lys487Arg]KLVSIVADQL